The following is an entry in ClinVar:

ClinVar aggregate classification (germline): Uncertain significance (1 of 4 stars; one submission).

Conditions:
Fanconi anemia complementation group E (FANCE). Also called: FANCE-Related Fanconi Anemia. Identifiers: Orphanet 84, MedGen C3160739, MONDO:0010953, OMIM 600901.

Submission:

Labcorp Genetics (formerly Invitae), Labcorp
Classification: Uncertain significance for Fanconi anemia complementation group E. Last evaluated: 2021-08-31. Review status: criteria provided, single submitter. Criteria: Invitae Variant Classification Sherloc (09022015). Collection method: clinical testing. Allele origin: germline.
Comment: This sequence change replaces glycine with serine at codon 43 of the FANCE protein (p.Gly43Ser). The glycine residue is weakly conserved and there is a small physicochemical difference between glycine and serine. The frequency data for this variant in the population databases is considered unreliable, as metrics indicate insufficient coverage at this position in the ExAC database. This variant has not been reported in the literature in individuals affected with FANCE-related conditions. Algorithms developed to predict the effect of missense changes on protein structure and function (SIFT, PolyPhen-2, Align-GVGD) all suggest that this variant is likely to be tolerated. In summary, the available evidence is currently insufficient to determine the role of this variant in disease. Therefore, it has been classified as a Variant of Uncertain Significance.

NM_021922.3(FANCE):c.127G>A (p.Gly43Ser)

Genes: FANCE (FA complementation group E; plus strand), LOC129996245 (ATAC-STARR-seq lymphoblastoid silent region 17092; plus strand). Cytogenetic location: 6p21.31.
Variant type: single nucleotide variant.
Coding change: c.127G>A on transcript NM_021922.3 (MANE Select); coding-DNA position 127, G replaced by A.
Protein change: p.Gly43Ser; replaces glycine 43 with serine.
Molecular consequence: missense variant.
Genome position (GRCh38, 1-based): chr6:35,452,672, G>A. VCF-style: chr6-35452672-G-A. GRCh37 (hg19) VCF-style: chr6-35420449-G-A.
Other names: short protein forms G43S.
Identifiers: ClinVar variation 949590 (VCV000949590.7), dbSNP rs892819655, ClinGen allele CA137292334.